The following is an entry in ClinVar:

GRCh37/hg19 16p13.11-12.3(chr16:15509407-18779589)x3

Genes: ABCC1 (ATP binding cassette subfamily C member 1 (ABCC1 blood group); plus strand), ABCC6 (ATP binding cassette subfamily C member 6; minus strand), BMERB1 (bMERB domain containing 1; plus strand), CEP20 (centrosomal protein 20; minus strand), MARF1 (meiosis regulator and mRNA stability factor 1; minus strand) and 5 more. Cytogenetic location: 16p13.11-12.3.
Variant type: copy number gain.
Change: copy number 3 (three copies instead of two) of chr16:15,509,407-18,779,589 (3.27 Mb, GRCh37 coordinates, 1-based), cytogenetic band 16p13.11-12.3.
Identifiers: ClinVar variation 2684794 (VCV002684794.2).

ClinVar aggregate classification (germline): Likely pathogenic (1 of 4 stars; one submission).

Submission:

Quest Diagnostics Nichols Institute San Juan Capistrano
Classification: Likely pathogenic. Last evaluated: 2024-08-05. Review status: criteria provided, single submitter. Criteria: ACMG/ClinGen CNV Guidelines, 2019. Collection method: clinical testing. Allele origin: unknown.
Comment: This copy number gain involves the 16p13.11 BP2-BP3 duplication region (ISCA-37415), which is associated with a range of clinical findings (Hamad 2023). Duplications of 16p13.11 were found to be enriched in patients versus controls in multiple case-control studies, with some exceptions (El Khattabi 2020, Kaminsky 2011). These gains are often inherited from a mildly affected or unaffected parent; however, studies have shown that putatively unaffected carriers scored significantly lower than non-carriers when tested on measures of cognitive and general functioning (Stefansson 2014). This copy number variant (CNV) is classified as likely pathogenic with variable phenotypic expressivity and reduced penetrance. References: El Khattabi et al., J Med Genet. 2020 May;57(5):301-307. PMID: 30287593 Hamad et al., Eur J Med Genet. 2023 Apr;66(4):104714. PMID: 36724812 Kaminsky et al., Genet Med. 2011 Sep;13(9):777-84. PMID: 21844811 Stefansson et al., Nature. 2014 Jan 16;505(7483):361-6. PMID: 24352232